The following is an entry in ClinVar:

NM_004100.5(EYA4):c.625T>C (p.Ser209Pro)

Gene: EYA4 (EYA transcriptional coactivator and phosphatase 4; plus strand). Cytogenetic location: 6q23.2.
Variant type: single nucleotide variant.
Coding change: c.625T>C on transcript NM_004100.5 (MANE Select); coding-DNA position 625, T replaced by C.
Protein change: p.Ser209Pro; replaces serine 209 with proline.
Molecular consequence: missense variant.
Genome position (GRCh38, 1-based): chr6:133,462,665, T>C. VCF-style: chr6-133462665-T-C. GRCh37 (hg19) VCF-style: chr6-133783803-T-C.
Other names: c.463T>C, p.Ser155Pro (NM_001301012.2, NM_001370459.1); c.625T>C, p.Ser209Pro (NM_001301013.2, NM_172105.4); c.556T>C, p.Ser186Pro (NM_001370458.1, NM_172103.4); short protein forms S186P, S209P, S155P.
Identifiers: ClinVar variation 2448318 (VCV002448318.5), dbSNP rs956644824, ClinGen allele CA148048927.

ClinVar aggregate classification (germline): Uncertain significance. Review status: criteria provided, multiple submitters, no conflicts (2 of 4 stars). 2 submissions from 2 submitters: Uncertain significance (2). Last evaluated 2025-10-23.

Conditions:
Cardiovascular phenotype. Identifiers: MedGen CN230736.
Dilated cardiomyopathy 1J (CMD1J). Also called: CARDIOMYOPATHY, DILATED, WITH SENSORINEURAL HEARING LOSS, AUTOSOMAL DOMINANT. Identifiers: Orphanet 217622, MedGen C1854368, MONDO:0011541, OMIM 605362.

Allele frequency attached by ClinVar (database versions not stated): gnomAD 0.00003; TOPMed 0.00005.
gnomAD v4.1: 7 of 1,613,856 alleles (0.00043%); highest among the groups gnomAD compares: African/African-American, 0.004%; no homozygotes.

Submissions (2):

Labcorp Genetics (formerly Invitae), Labcorp
Classification: Uncertain significance for Dilated cardiomyopathy 1J. Last evaluated: 2025-10-23. Review status: criteria provided, single submitter. Criteria: Invitae Variant Classification Sherloc (09022015). Collection method: clinical testing. Allele origin: germline.
Comment: This sequence change replaces serine, which is neutral and polar, with proline, which is neutral and non-polar, at codon 209 of the EYA4 protein (p.Ser209Pro). This variant is not present in population databases (gnomAD no frequency). This variant has not been reported in the literature in individuals affected with EYA4-related conditions. ClinVar contains an entry for this variant (Variation ID: 2448318). An algorithm developed to predict the effect of missense changes on protein structure and function outputs the following: PolyPhen-2: "Benign". The proline amino acid residue is found in multiple mammalian species, which suggests that this missense change does not adversely affect protein function. In summary, the available evidence is currently insufficient to determine the role of this variant in disease. Therefore, it has been classified as a Variant of Uncertain Significance.

Ambry Genetics
Classification: Uncertain significance for Cardiovascular phenotype. Last evaluated: 2023-10-05. Review status: criteria provided, single submitter. Criteria: Ambry Variant Classification Scheme 2023. Collection method: clinical testing. Allele origin: germline.